The following is an entry in ClinVar:

Conditions:
Long QT syndrome 5 (LQT5). Identifiers: Orphanet 101016, Orphanet 768, MedGen C1867904, MONDO:0013372, OMIM 613695.

Submission:

Roden Lab, Vanderbilt University Medical Center
No classification provided (evidence only). Condition: Long QT syndrome 5. Review status: no classification provided. Collection method: in vitro. Allele origin: not applicable. Functional consequence: Effect on ion channel function.
ClinVar note: "not provided" was previously submitted as the classification for the variant. However, the classification appeared to be based only on an observation of functional data so it was converted to no classification on 2025-07-30.

NM_000219.6(KCNE1):c.256G>C (p.Ala86Pro)

Gene: KCNE1 (potassium voltage-gated channel subfamily E regulatory subunit 1; minus strand). Cytogenetic location: 21q22.12.
Variant type: single nucleotide variant.
Coding change: c.256G>C on transcript NM_000219.6 (MANE Select); coding-DNA position 256, G replaced by C.
Protein change: p.Ala86Pro; replaces alanine 86 with proline.
Molecular consequence: missense variant.
Genome position (GRCh38, 1-based): chr21:34,449,379, C>G on the plus strand (G>C on the coding strand, the complement: KCNE1 is on the minus strand). VCF-style: chr21-34449379-C-G. GRCh37 (hg19) VCF-style: chr21-35821677-C-G.
Other names: c.256G>C, p.Ala86Pro (NM_001127668.4, NM_001127669.4, NM_001127670.4 and 4 more transcripts); short protein forms A86P.
Identifiers: ClinVar variation 3374454 (VCV003374454.2).
Genomic context (GRCh38, chr21:34,449,379, plus strand): 5'-ACGACCTGTAGCTCTCCAGGACCCGGGCCTGGACATAGGCCTTGTCCTTCTCTTGCCAGG[C>G]ATCGGACTCGATGTAGACGTTGAATGGGTCGTTCGAGTGCTCCAGCTTCTTGGAGCGGAT-3'
Protein context (NP_000210.2, residues 76-96): DPFNVYIESD[Ala86Pro]WQEKDKAYVQ